The following is an entry in ClinVar:

ClinVar aggregate classification (germline): Uncertain significance (1 of 4 stars; one submission).

Conditions:
Xanthinuria type II. Also called: Xanthine dehydrogenase and aldehyde oxidase combined deficiency of; XDH and AOX dual deficiency. Identifiers: Orphanet 3467, Orphanet 93602, MedGen C1863688, MONDO:0011346, OMIM 603592.

Allele frequency attached by ClinVar (database versions not stated): gnomAD 0.00001; gnomAD exomes 0.00002; TOPMed 0.00002; ExAC 0.00011.
gnomAD v4.1: 21 of 1,262,966 alleles (0.0017%); highest among the groups gnomAD compares: Non-Finnish European, 0.0021%; no homozygotes.

Submission:

Labcorp Genetics (formerly Invitae), Labcorp
Classification: Uncertain significance for Xanthinuria type II. Last evaluated: 2022-09-13. Review status: criteria provided, single submitter. Criteria: Invitae Variant Classification Sherloc (09022015). Collection method: clinical testing. Allele origin: germline.
Comment: This sequence change replaces arginine, which is basic and polar, with cysteine, which is neutral and slightly polar, at codon 45 of the MOCOS protein (p.Arg45Cys). The frequency data for this variant in the population databases is considered unreliable, as metrics indicate poor data quality at this position in the gnomAD database. This variant has not been reported in the literature in individuals affected with MOCOS-related conditions. ClinVar contains an entry for this variant (Variation ID: 1416833). Advanced modeling of protein sequence and biophysical properties (such as structural, functional, and spatial information, amino acid conservation, physicochemical variation, residue mobility, and thermodynamic stability) performed at Invitae indicates that this missense variant is expected to disrupt MOCOS protein function. In summary, the available evidence is currently insufficient to determine the role of this variant in disease. Therefore, it has been classified as a Variant of Uncertain Significance.

NM_017947.4(MOCOS):c.133C>T (p.Arg45Cys)

Gene: MOCOS (molybdenum cofactor sulfurase; plus strand). Cytogenetic location: 18q12.2.
Variant type: single nucleotide variant.
Coding change: c.133C>T on transcript NM_017947.4 (MANE Select); coding-DNA position 133, C replaced by T.
Protein change: p.Arg45Cys; replaces arginine 45 with cysteine.
Molecular consequence: missense variant.
Genome position (GRCh38, 1-based): chr18:36,187,672, C>T. VCF-style: chr18-36187672-C-T. GRCh37 (hg19) VCF-style: chr18-33767635-C-T.
Other names: short protein forms R45C.
Identifiers: ClinVar variation 1416833 (VCV001416833.3), dbSNP rs759622598, ClinGen allele CA8940310.